The following is an entry in ClinVar:

ClinVar aggregate classification (germline): Uncertain significance (1 of 4 stars; one submission).

Conditions:
Myopathy caused by variation in POMGNT1. Identifiers: MedGen CN305639, MONDO:0700068.

Submission:

Myriad Genetics, Inc.
Classification: Uncertain significance for Myopathy caused by variation in POMGNT1. Last evaluated: 2025-08-20. Review status: criteria provided, single submitter. Criteria: Myriad Autosomal Dominant, Autosomal Recessive and X-Linked Classification Criteria (2023). Collection method: clinical testing. Allele origin: unknown.
Comment: NM_017739.3(POMGNT1):c.386G>C(R129P) is a missense variant classified as a variant of uncertain significance in the context of POMGNT1-related disorders. R129P has not been observed in cases with relevant disease. Relevant functional assessments of this variant are not available in the literature. Internal structural analysis of the variant is supportive of pathogenicity. R129P has not been observed in referenced population frequency databases. In summary, there is insufficient evidence to classify NM_017739.3(POMGNT1):c.386G>C(R129P) as pathogenic or benign. Please note: this variant was assessed in the context of healthy population screening.

NM_017739.4(POMGNT1):c.386G>C (p.Arg129Pro)

Genes: POMGNT1 (protein O-linked mannose N-acetylglucosaminyltransferase 1 (beta 1,2-); minus strand), TSPAN1 (tetraspanin 1; plus strand). Cytogenetic location: 1p34.1.
Variant type: single nucleotide variant.
Coding change: c.386G>C on transcript NM_017739.4 (MANE Select); coding-DNA position 386, G replaced by C.
Protein change: p.Arg129Pro; replaces arginine 129 with proline.
Molecular consequence: missense variant. On other transcripts: 5 prime UTR variant (1).
Genome position (GRCh38, 1-based): chr1:46,196,046, C>G on the plus strand (G>C on the coding strand, the complement: POMGNT1 is on the minus strand). VCF-style: chr1-46196046-C-G. GRCh37 (hg19) VCF-style: chr1-46661718-C-G.
Other names: c.386G>C, p.Arg129Pro (NM_001243766.2, NM_001410783.1, NM_001437653.1 and 3 more transcripts); c.320G>C, p.Arg107Pro (NM_001290129.3, NM_001438691.1, NM_001438692.1); c.-44G>C (NM_001290130.2); short protein forms R129P, R107P.
Identifiers: ClinVar variation 5003231 (VCV005003231.1).
Genomic context (GRCh38, chr1:46,196,046, plus strand): 5'-TGGGTCACCCACCCCTAGAAACTCACCGTGGCCTGGTTGAGGACAATGACATGGATGCCC[C>G]GGCCCTGCTCCCGGGCCTCATCCTCCAGCACCTACACAGTGGCAGAGACAAAGTCCAGCT-3'
Protein context (NP_060209.4, residues 119-139): VLEDEAREQG[Arg129Pro]GIHVIVLNQA